The following is an entry in ClinVar:

NM_015915.5(ATL1):c.1193C>T (p.Ser398Phe)

Gene: ATL1 (atlastin GTPase 1; plus strand). Cytogenetic location: 14q22.1.
Variant type: single nucleotide variant.
Coding change: c.1193C>T on transcript NM_015915.5 (MANE Select); coding-DNA position 1193, C replaced by T.
Protein change: p.Ser398Phe; replaces serine 398 with phenylalanine.
Molecular consequence: missense variant.
Genome position (GRCh38, 1-based): chr14:50,628,104, C>T. VCF-style: chr14-50628104-C-T. GRCh37 (hg19) VCF-style: chr14-51094822-C-T.
Other names: c.1193C>T, p.Ser398Phe (NM_001127713.1, NM_181598.4); short protein forms S398F.
Identifiers: ClinVar variation 2571511 (VCV002571511.2), dbSNP rs864622083, ClinGen allele CA389675653.

ClinVar aggregate classification (germline): Pathogenic. Review status: criteria provided, single submitter (1 of 4 stars). 2 submissions from 2 submitters: Pathogenic (1). 1 of the submissions does not count toward it. Last evaluated 2023-07-13.

Conditions:
Hereditary spastic paraplegia 3A (SPG3A). Also called: SPG3; STRUMPELL DISEASE; SPASTIC PARAPLEGIA 3, AUTOSOMAL DOMINANT; FAMILIAL SPASTIC PARAPLEGIA, AUTOSOMAL DOMINANT, 1; Spastic Paraplegia 3A; Spastic paraplegia 3A, autosomal dominant. Identifiers: Orphanet 100984, MedGen C2931355, MONDO:0008437, OMIM 182600.

Submissions (2):

GeneDx
Classification: Pathogenic. Last evaluated: 2023-07-13. Review status: criteria provided, single submitter. Criteria: GeneDx Variant Classification Process June 2021. Collection method: clinical testing. Allele origin: germline. Affected: yes.
Comment: Not observed at significant frequency in large population cohorts (gnomAD); In silico analysis supports that this missense variant has a deleterious effect on protein structure/function; This variant is associated with the following publications: (PMID: 23334294, 31236401, 19735987, 32277485)

Inherited Neuropathy Consortium Ii, University Of Miami
Classification: Uncertain significance for Hereditary spastic paraplegia 3A. Last evaluated: 2016-01-06. Review status: no assertion criteria provided. Collection method: literature only. Allele origin: germline. Affected: yes. Not counted in ClinVar's aggregate classification.

Literature cited by the submitters: PubMed 9246006 (cited by Inherited Neuropathy Consortium Ii, University Of Miami).